The following is an entry in ClinVar:

ClinVar aggregate classification (germline): Likely benign. Review status: criteria provided, multiple submitters, no conflicts (2 of 4 stars). 3 submissions from 3 submitters: Likely benign (3). Last evaluated 2025-07-09.

Conditions:
COACH syndrome 3. Identifiers: MedGen C5436841, MONDO:0030862, OMIM 619113.
Meckel syndrome, type 5 (MKS5). Identifiers: Orphanet 564, MedGen C1969052, MONDO:0012695, OMIM 611561.
Joubert syndrome 7 (JBTS7). Identifiers: Orphanet 220497, MedGen C1969053, MONDO:0012694, OMIM 611560.
RPGRIP1L-related disorder. Also called: RPGRIP1L-related disorders; RPGRIP1L-related condition. Identifiers: MedGen CN239416.
Meckel-Gruber syndrome. Also called: Dysencephalia splachnocystica; DYSENCEPHALIA SPLANCHNOCYSTICA; GRUBER SYNDROME. Identifiers: Orphanet 564, MedGen C0265215, MONDO:0018921.
Joubert syndrome. Also called: JOUBERT-BOLTSHAUSER SYNDROME; Familial aplasia of the vermis. Identifiers: Orphanet 475, MedGen C5979921, MONDO:0018772.

Allele frequency attached by ClinVar (database versions not stated): gnomAD 0.00001; TOPMed 0.00001.
gnomAD v4.1: 5 of 1,613,560 alleles (0.00031%); highest among the groups gnomAD compares: African/African-American, 0.0027%; no homozygotes.

Submissions (3):

PreventionGenetics, part of Exact Sciences
Classification: Likely benign for RPGRIP1L-related condition. Last evaluated: 2025-07-09. Review status: criteria provided, single submitter. Criteria: ACMG Guidelines, 2015. Collection method: clinical testing. Allele origin: germline.
Comment: This variant is classified as likely benign based on ACMG/AMP sequence variant interpretation guidelines (Richards et al. 2015 PMID: 25741868, with internal and published modifications).

Labcorp Genetics (formerly Invitae), Labcorp
Classification: Likely benign for Joubert syndrome; Meckel-Gruber syndrome. Last evaluated: 2022-06-10. Review status: criteria provided, single submitter. Criteria: Invitae Variant Classification Sherloc (09022015). Collection method: clinical testing. Allele origin: germline.

Fulgent Genetics
Classification: Likely benign for Joubert syndrome 7; Meckel syndrome, type 5; COACH syndrome 3. Last evaluated: 2021-12-10. Review status: criteria provided, single submitter. Criteria: ACMG Guidelines, 2015. Collection method: clinical testing. Allele origin: unknown.

NM_015272.5(RPGRIP1L):c.706T>C (p.Leu236=)

Gene: RPGRIP1L (RPGRIP1 like; minus strand). Cytogenetic location: 16q12.2.
Variant type: single nucleotide variant.
Coding change: c.706T>C on transcript NM_015272.5 (MANE Select); coding-DNA position 706, T replaced by C.
Protein change: p.Leu236=; no amino-acid change (leucine 236 retained).
Molecular consequence: synonymous variant.
Genome position (GRCh38, 1-based): chr16:53,686,503, A>G on the plus strand (T>C on the coding strand, the complement: RPGRIP1L is on the minus strand). VCF-style: chr16-53686503-A-G. GRCh37 (hg19) VCF-style: chr16-53720415-A-G.
Other names: c.706T>C (NM_015272.4); c.706T>C, p.Leu236= (NM_001127897.4, NM_001308334.3, NM_001330538.2).
Identifiers: ClinVar variation 1089048 (VCV001089048.14), dbSNP rs1266143274, ClinGen allele CA495539032.